The following is an entry in ClinVar:

ClinVar aggregate classification (germline): Uncertain significance. Review status: reviewed by expert panel (3 of 4 stars). 6 submissions from 6 submitters: Uncertain significance (1). 5 of the submissions do not count toward it. Last evaluated 2025-04-28.

Conditions:
GAMT-related disorder. Also called: GAMT-related condition.
Cerebral creatine deficiency syndrome. Also called: Creatine deficiency syndromes. Identifiers: Orphanet 79172, MedGen C5244016, MONDO:0000456.
Deficiency of guanidinoacetate methyltransferase (CCDS2). Also called: CEREBRAL CREATINE DEFICIENCY SYNDROME 2; GAMT DEFICIENCY; Guanidinoacetate Methyltransferase (GAMT) Deficiency. Identifiers: Orphanet 382, MedGen C0574080, MONDO:0012999, OMIM 612736.

Allele frequency attached by ClinVar (database versions not stated): gnomAD exomes below 0.00001; ExAC 0.00001; gnomAD 0.00001; TOPMed 0.00001.

Submissions (6):

ClinGen Cerebral Creatine Deficiency Syndromes Variant Curation Expert Panel, ClinGen
Classification: Uncertain significance for Deficiency of guanidinoacetate methyltransferase. Last evaluated: 2025-04-28. Review status: reviewed by expert panel. Criteria: ClinGen CCDS ACMG Specifications GAMT V2.0.0. Collection method: curation. Allele origin: germline. Inheritance: Autosomal recessive inheritance.
Comment: The NM_000156.6:c.668dupA (p.Tyr223fs) variant in GAMT is a frameshift variant in the last exon (exon 6/6; amino acid 223/237) of GAMT, and is therefore predicted to escape nonsense mediated decay. Less than 10% of the protein is predicted to be removed (PVS1_Moderate). The highest population minor allele frequency in gnomAD v4.1.0 is 0.000002543 (3/1179898 alleles) in the European non-Finnish population, which is lower than the ClinGen CCDS VCEP’s threshold for PM2_Supporting (<0.0004), meeting this criterion (PM2_Supporting). To our knowledge, this variant has not been reported in published literature in individuals with GAMT deficiency. However, itt is noted in ClinVar (Variation ID 445930). In addition, a different nucleotide change that results in the same molecular consequence (c.669C>G (p.Tyr223Ter), has also been reported in ClinVar (Variation ID: 1394775). In summary, this variant meets the criteria to be classified as a variant of uncertain significance for GAMT deficiency. GAMT-specific ACMG/AMP codes met, as specified by the ClinGen Cerebral Creatine Deficiency Syndromes VCEP (Specifications Version 2.0.0): PVS1_Moderate, PM2_Supporting (Classification approved by the ClinGen CCDS VCEP on April 28, 2025).

GeneDx
Classification: Uncertain significance. Last evaluated: 2026-02-18. Review status: criteria provided, single submitter. Criteria: GeneDx Variant Classification Process June 2021. Collection method: clinical testing. Allele origin: germline. Not counted in ClinVar's aggregate classification.
Comment: Not observed at significant frequency in large population cohorts (gnomAD); Nonsense variant predicted to result in protein truncation as the last 14 amino acid(s) are lost, although loss-of-function variants have not been reported downstream of this position in the protein; Has not been previously published as pathogenic or benign to our knowledge

PreventionGenetics, part of Exact Sciences
Classification: Uncertain significance for GAMT-related condition. Last evaluated: 2025-09-12. Review status: criteria provided, single submitter. Criteria: ACMG Guidelines, 2015. Collection method: clinical testing. Allele origin: germline. Not counted in ClinVar's aggregate classification.
Comment: The GAMT c.668dupA variant is predicted to result in premature protein termination (p.Tyr223*). To our knowledge, this variant has not been reported in the literature. This variant is reported in 0.0016% of alleles in individuals of European (Non-Finnish) descent in gnomAD. Although other early termination changes in GAMT are reported as pathogenic, this alteration is located near the end of the terminal exon, and downstream of other early termination changes that have been reported as causative. This variant is classified as uncertain significance by an expert panel in the ClinVar database (Variation ID: 445930). At this time, the clinical significance of this variant is uncertain due to the absence of conclusive functional and genetic evidence.

Labcorp Genetics (formerly Invitae), Labcorp
Classification: Uncertain significance for Cerebral creatine deficiency syndrome. Last evaluated: 2022-07-26. Review status: criteria provided, single submitter. Criteria: Invitae Variant Classification Sherloc (09022015). Collection method: clinical testing. Allele origin: germline. Not counted in ClinVar's aggregate classification.
Comment: In summary, the available evidence is currently insufficient to determine the role of this variant in disease. Therefore, it has been classified as a Variant of Uncertain Significance. Experimental studies and prediction algorithms are not available or were not evaluated, and the functional significance of this variant is currently unknown. ClinVar contains an entry for this variant (Variation ID: 445930). This variant has not been reported in the literature in individuals affected with GAMT-related conditions. This variant is present in population databases (rs781163821, gnomAD 0.002%). This sequence change creates a premature translational stop signal (p.Tyr223*) in the GAMT gene. While this is not anticipated to result in nonsense mediated decay, it is expected to disrupt the last 14 amino acid(s) of the GAMT protein.

Center for Pediatric Genomic Medicine, Children's Mercy Hospital and Clinics
Classification: Uncertain significance. Last evaluated: 2017-08-16. Review status: criteria provided, single submitter. Criteria: ACMG Guidelines, 2015. Collection method: clinical testing. Allele origin: germline. Not counted in ClinVar's aggregate classification.

Natera, Inc.
Classification: Uncertain significance for Guanidinoacetate methyltransferase deficiency. Last evaluated: 2020-09-16. Review status: no assertion criteria provided. Collection method: clinical testing. Allele origin: germline. Not counted in ClinVar's aggregate classification.

NM_000156.6(GAMT):c.668dup (p.Tyr223Ter)

Gene: GAMT (guanidinoacetate N-methyltransferase; minus strand). Cytogenetic location: 19p13.3.
Variant type: Duplication.
Coding change: c.668dup on transcript NM_000156.6 (MANE Select); coding-DNA position 668, one base duplicated (A; older notation c.668dupA).
Protein change: p.Tyr223Ter; replaces tyrosine 223 with a stop codon.
Molecular consequence: nonsense.
Genome position (GRCh38, 1-based): chr19:1,397,402, T duplicated on the plus strand (A on the coding strand, the reverse complement: GAMT is on the minus strand). VCF-style (leftmost placement, unchanged base first): chr19-1397401-G-GT. GRCh37 (hg19) VCF-style: chr19-1397400-G-GT.
Other names: NM_000156.6(GAMT):c.668dup; p.Tyr223Ter; c.668dupA (NM_000156.6, NM_000156.5); c.668dup (NM_000156.4); short protein forms Y223*.
Identifiers: ClinVar variation 445930 (VCV000445930.13), dbSNP rs781163821, ClinGen allele CA9043535.